The following is an entry in ClinVar:

ClinVar aggregate classification (germline): Pathogenic (1 of 4 stars; one submission).

Conditions:
Glycogen storage disease IXd (GSD9D). Also called: Muscle Phosphorylase Kinase Deficiency; GSD IXd. Identifiers: Orphanet 715, MedGen C1845151, MONDO:0010362, OMIM 300559.

Submission:

Labcorp Genetics (formerly Invitae), Labcorp
Classification: Pathogenic for Glycogen storage disease IXd. Last evaluated: 2025-02-26. Review status: criteria provided, single submitter. Criteria: Invitae Variant Classification Sherloc (09022015). Collection method: clinical testing. Allele origin: germline.
Comment: This sequence change creates a premature translational stop signal (p.Gln779*) in the PHKA1 gene. It is expected to result in an absent or disrupted protein product. Loss-of-function variants in PHKA1 are known to be pathogenic (PMID: 9731190, 15637709). This variant is not present in population databases (gnomAD no frequency). This variant has not been reported in the literature in individuals affected with PHKA1-related conditions. Algorithms developed to predict the effect of sequence changes on RNA splicing suggest that this variant may disrupt the consensus splice site. For these reasons, this variant has been classified as Pathogenic.

Literature cited by the submitters: PubMed 9731190; PubMed 15637709.

NM_002637.4(PHKA1):c.2335C>T (p.Gln779Ter)

Gene: PHKA1 (phosphorylase kinase regulatory subunit alpha 1; minus strand). Cytogenetic location: Xq13.1.
Variant type: single nucleotide variant.
Coding change: c.2335C>T on transcript NM_002637.4 (MANE Select); coding-DNA position 2335, C replaced by T.
Protein change: p.Gln779Ter; replaces glutamine 779 with a stop codon.
Molecular consequence: nonsense.
Genome position (GRCh38, 1-based): chrX:72,618,744, G>A on the plus strand (C>T on the coding strand, the complement: PHKA1 is on the minus strand). VCF-style: chrX-72618744-G-A. GRCh37 (hg19) VCF-style: chrX-71838594-G-A.
Other names: c.2335C>T, p.Gln779Ter (NM_001122670.2, NM_001431068.1, NM_001440787.1); c.2158C>T, p.Gln720Ter (NM_001172436.2, NM_001440788.1); short protein forms Q720*, Q779*.
Identifiers: ClinVar variation 4749234 (VCV004749234.1).
Genomic context (GRCh38, chrX:72,618,744, plus strand): 5'-CTAGATTGATAATATCCACCACTTACTTCATAGTATACAGCATATAGAGGATATCAGCTT[G>A]TTCCTGTAAGCTTGAGGTCTCCTTCAACTGTAAAACCAGTGCTTTAAAGTCCACCTCCCC-3'